The following is an entry in ClinVar:

NM_000092.5(COL4A4):c.2159C>T (p.Pro720Leu)

Gene: COL4A4 (collagen type IV alpha 4 chain; minus strand). Cytogenetic location: 2q36.3.
Variant type: single nucleotide variant.
Coding change: c.2159C>T on transcript NM_000092.5 (MANE Select); coding-DNA position 2159, C replaced by T.
Protein change: p.Pro720Leu; replaces proline 720 with leucine.
Molecular consequence: missense variant.
Genome position (GRCh38, 1-based): chr2:227,060,141, G>A on the plus strand (C>T on the coding strand, the complement: COL4A4 is on the minus strand). VCF-style: chr2-227060141-G-A. GRCh37 (hg19) VCF-style: chr2-227924857-G-A.
Other names: short protein forms P720L.
Identifiers: ClinVar variation 334725 (VCV000334725.6), dbSNP rs749186337, ClinGen allele CA2144934.

ClinVar aggregate classification (germline): Uncertain significance. Review status: criteria provided, multiple submitters, no conflicts (2 of 4 stars). 2 submissions from 2 submitters: Uncertain significance (2). Last evaluated 2022-09-28.

Conditions:
Alport syndrome. Also called: Hemorrhagic familial nephritis; Hemorrhagic hereditary nephritis; Congenital hereditary hematuria. Identifiers: Orphanet 63, MedGen C1567741, MONDO:0018965.

Allele frequency attached by ClinVar (database versions not stated): gnomAD exomes below 0.00001 and 0.00001; ExAC 0.00001; TOPMed 0.00001.
gnomAD v4.1: 12 of 1,239,556 alleles (0.00097%); highest among the groups gnomAD compares: Non-Finnish European, 0.0014%; no homozygotes.

Submissions (2):

Labcorp Genetics (formerly Invitae), Labcorp
Classification: Uncertain significance. Last evaluated: 2022-09-28. Review status: criteria provided, single submitter. Criteria: Invitae Variant Classification Sherloc (09022015). Collection method: clinical testing. Allele origin: germline.
Comment: This sequence change replaces proline, which is neutral and non-polar, with leucine, which is neutral and non-polar, at codon 720 of the COL4A4 protein (p.Pro720Leu). The frequency data for this variant in the population databases is considered unreliable, as metrics indicate poor data quality at this position in the gnomAD database. This variant has not been reported in the literature in individuals affected with COL4A4-related conditions. ClinVar contains an entry for this variant (Variation ID: 334725). Advanced modeling of protein sequence and biophysical properties (such as structural, functional, and spatial information, amino acid conservation, physicochemical variation, residue mobility, and thermodynamic stability) performed at Invitae indicates that this missense variant is not expected to disrupt COL4A4 protein function. In summary, the available evidence is currently insufficient to determine the role of this variant in disease. Therefore, it has been classified as a Variant of Uncertain Significance.

Illumina Laboratory Services, Illumina
Classification: Uncertain significance for Alport syndrome. Last evaluated: 2018-01-13. Review status: criteria provided, single submitter. Criteria: ICSL Variant Classification Criteria 13 December 2019. Collection method: clinical testing. Allele origin: germline.